The following is an entry in ClinVar:

ClinVar aggregate classification (germline): Uncertain significance (1 of 4 stars; one submission).

Conditions:
Familial cancer of breast. Also called: Hereditary breast cancer; BREAST CANCER, FAMILIAL; hereditary breast carcinoma. Identifiers: Orphanet 227535, MedGen C0346153, MONDO:0016419, OMIM 114480. Disease mechanism: loss of function.

Submission:

Labcorp Genetics (formerly Invitae), Labcorp
Classification: Uncertain significance for Familial cancer of breast. Last evaluated: 2022-02-10. Review status: criteria provided, single submitter. Criteria: Invitae Variant Classification Sherloc (09022015). Collection method: clinical testing. Allele origin: germline.
Comment: In summary, the available evidence is currently insufficient to determine the role of this variant in disease. Therefore, it has been classified as a Variant of Uncertain Significance. Algorithms developed to predict the effect of missense changes on protein structure and function (SIFT, PolyPhen-2, Align-GVGD) all suggest that this variant is likely to be tolerated. This sequence change replaces proline, which is neutral and non-polar, with serine, which is neutral and polar, at codon 634 of the PALB2 protein (p.Pro634Ser). This variant is not present in population databases (gnomAD no frequency). This variant has not been reported in the literature in individuals affected with PALB2-related conditions. ClinVar contains an entry for this variant (Variation ID: 1059984).

NM_024675.4(PALB2):c.1900C>T (p.Pro634Ser)

Gene: PALB2 (partner and localizer of BRCA2; minus strand). Cytogenetic location: 16p12.2.
Variant type: single nucleotide variant.
Coding change: c.1900C>T on transcript NM_024675.4 (MANE Select); coding-DNA position 1900, C replaced by T.
Protein change: p.Pro634Ser; replaces proline 634 with serine.
Molecular consequence: missense variant.
Genome position (GRCh38, 1-based): chr16:23,630,254, G>A on the plus strand (C>T on the coding strand, the complement: PALB2 is on the minus strand). VCF-style: chr16-23630254-G-A. GRCh37 (hg19) VCF-style: chr16-23641575-G-A.
Other names: short protein forms P634S.
Identifiers: ClinVar variation 1059984 (VCV001059984.10), dbSNP rs2142386489, ClinGen allele CA395127579.
Genomic context (GRCh38, chr16:23,630,254, plus strand): 5'-TACAGCTTCCCTCTTTAAGATGTCTCTCTCCAAACATTTTTGACTCAAAGGGCTCCACTG[G>A]TTTTTCTGAGCAGGACTTCACTTTTTCAAGCTTAAGAGGTCCAAAGTCTTCATCAGGTAA-3'
Protein context (NP_078951.2, residues 624-644): LEKVKSCSEK[Pro634Ser]VEPFESKMFG